The following is an entry in ClinVar:

NM_003070.5(SMARCA2):c.4772G>T (p.Ter1591Leu)

Gene: SMARCA2 (SWI/SNF related BAF chromatin remodeling complex subunit ATPase 2; plus strand). Cytogenetic location: 9p24.3.
Variant type: single nucleotide variant.
Coding change: c.4772G>T on transcript NM_003070.5 (MANE Select); coding-DNA position 4772, G replaced by T.
Protein change: p.Ter1591Leu.
Molecular consequence: stop lost.
Genome position (GRCh38, 1-based): chr9:2,192,738, G>T. VCF-style: chr9-2192738-G-T. GRCh37 (hg19) VCF-style: chr9-2192738-G-T.
Other names: c.4772G>T, p.Ter1591Leu (NM_001289396.2); c.4544G>T, p.Ter1515Leu (NM_001289397.2); c.746G>T, p.Ter249Leu (NM_001289398.2); c.830G>T, p.Ter277Leu (NM_001289399.2); c.836G>T, p.Ter279Leu (NM_001289400.2); c.4718G>T, p.Ter1573Leu (NM_139045.4).
Identifiers: ClinVar variation 3236690 (VCV003236690.2), dbSNP rs2537644687, ClinGen allele CA372793318.
Genomic context (GRCh38, chr9:2,192,738, plus strand): 5'-TTTTATCTTCTTATTTTTACTTTTAGGAACAGTCAGAAGGAAGTGGGACGGATGATGAGT[G>T]ATCAGTATGGACCTTTTTCCTTGGTAGAACTGAATTCCTTCCTCCCCTGTCTCATTTCTA-3'

ClinVar aggregate classification (germline): Uncertain significance (1 of 4 stars; one submission).

Conditions:
Nicolaides-Baraitser syndrome (NCBRS). Also called: SMARCA2-Related Nicolaides-Baraitser Syndrome; Intellectual disability-sparse hair-brachydactyly syndrome. Identifiers: Orphanet 3051, MedGen C1303073, MONDO:0011053, OMIM 601358.

Submission:

Institute of Human Genetics, University of Goettingen
Classification: Uncertain significance for Nicolaides-Baraitser syndrome. Last evaluated: 2024-05-23. Review status: criteria provided, single submitter. Criteria: ACMG Guidelines, 2015. Collection method: clinical testing. Allele origin: unknown. Inheritance: Sporadic. Observed: 1 heterozygote.
Comment: The variant c.4772G>T (p.(*1591Leuext*28)) in exon 34 of the SMARCA2-gene is not found in the gnomAD database. The variation affects the STOP codon and leads to an extension of the reading frame by 28 codons. ACMG criteria used for classification: PM2_sup, PM4.